The following is an entry in ClinVar:

NM_001737.5(C9):c.78-10G>A

Gene: C9 (complement C9; minus strand). Cytogenetic location: 5p13.1.
Variant type: single nucleotide variant.
Coding change: c.78-10G>A on transcript NM_001737.5 (MANE Select); 10 bases into the intron before coding-DNA position 78, G replaced by A.
Molecular consequence: intron variant.
Genome position (GRCh38, 1-based): chr5:39,342,206, C>T on the plus strand (G>A on the coding strand, the complement: C9 is on the minus strand). VCF-style: chr5-39342206-C-T. GRCh37 (hg19) VCF-style: chr5-39342308-C-T.
Other names: p.?.
Identifiers: ClinVar variation 402465 (VCV000402465.23), dbSNP rs476569, ClinGen allele CA3247144.
Genomic context (GRCh38, chr5:39,342,206, plus strand): 5'-CAGTCTATGTGTGATGCAGAGCCACTGCTTTCTGTTAGCTCTGGGTCATAACTAAGATAA[C>T]AGAACATCCCAGTTTATAATGACCATTGTGTATATCTGTTTCCAAGAAGTCTTCATAAAC-3'

ClinVar aggregate classification (germline): Benign/Likely benign. Review status: criteria provided, multiple submitters, no conflicts (2 of 4 stars). 9 submissions from 9 submitters: Benign (6); Likely benign (1). 2 of the submissions do not count toward it. Last evaluated 2026-02-04.

Allele frequency attached by ClinVar (database versions not stated): gnomAD exomes 0.51246 and 0.53315; ExAC 0.53642; gnomAD 0.59545 and 0.60021; ESP Exome Variant Server 0.60634; TOPMed 0.62289; 1000 Genomes Project 0.62780; 1000 Genomes Project 30x 0.63460.
gnomAD v4.1: 737,669 of 1,412,842 alleles (52%); highest among the groups gnomAD compares: African/African-American, 83%; 195,334 homozygotes.

Submissions (9):

Labcorp Genetics (formerly Invitae), Labcorp
Classification: Benign. Last evaluated: 2026-02-04. Review status: criteria provided, single submitter. Criteria: Invitae Variant Classification Sherloc (09022015). Collection method: clinical testing. Allele origin: germline.

Women's Health and Genetics/Laboratory Corporation of America, LabCorp
Classification: Benign. Last evaluated: 2026-01-21. Review status: criteria provided, single submitter. Criteria: LabCorp Variant Classification Summary - May 2015. Collection method: clinical testing. Allele origin: germline.

Blueprint Genetics
Classification: Likely benign. Last evaluated: 2024-11-26. Review status: criteria provided, single submitter. Criteria: ACMG Guidelines, 2015. Collection method: clinical testing. Allele origin: germline.

Mayo Clinic Laboratories, Mayo Clinic
Classification: Benign. Last evaluated: 2022-09-06. Review status: criteria provided, single submitter. Criteria: ACMG Guidelines, 2015. Collection method: clinical testing. Allele origin: germline. Observed: 9 variant alleles.

GeneDx
Classification: Benign. Last evaluated: 2022-01-05. Review status: criteria provided, single submitter. Criteria: GeneDx Variant Classification Process June 2021. Collection method: clinical testing. Allele origin: germline. Affected: yes.

Laboratory for Molecular Medicine, Mass General Brigham Personalized Medicine
Classification: Benign. Last evaluated: 2016-03-28. Review status: criteria provided, single submitter. Criteria: LMM Criteria. Collection method: clinical testing. Allele origin: germline.
Comment: Variant identified in a genome or exome case(s) and assessed due to predicted null impact of the variant or pathogenic assertions in the literature or databases. Disclaimer: This variant has not undergone full assessment. The following are preliminary notes: Frequency

Breakthrough Genomics
Classification: Benign. Review status: criteria provided, single submitter. Criteria: ACMG Guidelines, 2015. Collection method: not provided. Allele origin: germline. Inheritance: Autosomal dominant inheritance. Affected: yes.

Diagnostic Laboratory, Department of Genetics, University Medical Center Groningen
Classification: Benign. Review status: no assertion criteria provided. Collection method: clinical testing. Allele origin: germline. Affected: yes. Study: VKGL Data-share Consensus. Not counted in ClinVar's aggregate classification.

Joint Genome Diagnostic Labs from Nijmegen and Maastricht, Radboudumc and MUMC+
Classification: Benign. Review status: no assertion criteria provided. Collection method: clinical testing. Allele origin: germline. Affected: yes. Study: VKGL Data-share Consensus. Not counted in ClinVar's aggregate classification.